The following is an entry in ClinVar:

ClinVar aggregate classification (germline): Uncertain significance (1 of 4 stars; one submission).

gnomAD v4.1: 3 of 1,464,538 alleles (0.0002%); highest among the groups gnomAD compares: Non-Finnish European, 0.00027%; no homozygotes.

Submission:

Labcorp Genetics (formerly Invitae), Labcorp
Classification: Uncertain significance. Last evaluated: 2023-05-05. Review status: criteria provided, single submitter. Criteria: Invitae Variant Classification Sherloc (09022015). Collection method: clinical testing. Allele origin: germline.
Comment: In summary, the available evidence is currently insufficient to determine the role of this variant in disease. Therefore, it has been classified as a Variant of Uncertain Significance. An algorithm developed to predict the effect of missense changes on protein structure and function (PolyPhen-2) suggests that this variant is likely to be tolerated. This variant has not been reported in the literature in individuals affected with MPDZ-related conditions. This variant is not present in population databases (gnomAD no frequency). This sequence change replaces leucine, which is neutral and non-polar, with isoleucine, which is neutral and non-polar, at codon 510 of the MPDZ protein (p.Leu510Ile).

NM_001378778.1(MPDZ):c.1528T>A (p.Leu510Ile)

Gene: MPDZ (multiple PDZ domain crumbs cell polarity complex component; minus strand). Cytogenetic location: 9p23.
Variant type: single nucleotide variant.
Coding change: c.1528T>A on transcript NM_001378778.1 (MANE Select); coding-DNA position 1528, T replaced by A.
Protein change: p.Leu510Ile; replaces leucine 510 with isoleucine.
Molecular consequence: missense variant.
Genome position (GRCh38, 1-based): chr9:13,205,054, A>T on the plus strand (T>A on the coding strand, the complement: MPDZ is on the minus strand). VCF-style: chr9-13205054-A-T. GRCh37 (hg19) VCF-style: chr9-13205053-A-T.
Other names: c.1528T>A, p.Leu510Ile (NM_001261406.2, NM_001261407.2, NM_001330637.2 and 14 more transcripts); short protein forms L510I.
Identifiers: ClinVar variation 2786923 (VCV002786923.3), dbSNP rs1027711753, ClinGen allele CA189306216.